The following is an entry in ClinVar:

ClinVar aggregate classification (germline): Uncertain significance (1 of 4 stars; one submission).

Conditions:
Myopathy, proximal, and ophthalmoplegia (CMYO6). Also called: INCLUSION BODY MYOPATHY 3, AUTOSOMAL DOMINANT; MYOPATHY WITH CONGENITAL JOINT CONTRACTURES, OPHTHALMOPLEGIA, AND RIMMED VACUOLES; CONGENITAL MYOPATHY 6 WITH OPHTHALMOPLEGIA. Identifiers: Orphanet 363677, Orphanet 79091, MedGen C1854106, MONDO:0011577, OMIM 605637.

Submission:

Labcorp Genetics (formerly Invitae), Labcorp
Classification: Uncertain significance for Myopathy, proximal, and ophthalmoplegia. Last evaluated: 2022-06-01. Review status: criteria provided, single submitter. Criteria: Invitae Variant Classification Sherloc (09022015). Collection method: clinical testing. Allele origin: germline.
Comment: In summary, the available evidence is currently insufficient to determine the role of this variant in disease. Therefore, it has been classified as a Variant of Uncertain Significance. Algorithms developed to predict the effect of missense changes on protein structure and function (SIFT, PolyPhen-2, Align-GVGD) all suggest that this variant is likely to be disruptive. This variant has not been reported in the literature in individuals affected with MYH2-related conditions. This variant is not present in population databases (gnomAD no frequency). This sequence change replaces glutamic acid, which is acidic and polar, with lysine, which is basic and polar, at codon 1055 of the MYH2 protein (p.Glu1055Lys).

NM_017534.6(MYH2):c.3163G>A (p.Glu1055Lys)

Genes: MYH2 (myosin heavy chain 2; minus strand), MYHAS (myosin heavy chain gene cluster antisense RNA; plus strand). Cytogenetic location: 17p13.1.
Variant type: single nucleotide variant.
Coding change: c.3163G>A on transcript NM_017534.6 (MANE Select); coding-DNA position 3163, G replaced by A.
Protein change: p.Glu1055Lys; replaces glutamic acid 1055 with lysine.
Molecular consequence: missense variant.
Genome position (GRCh38, 1-based): chr17:10,529,436, C>T on the plus strand (G>A on the coding strand, the complement: MYH2 is on the minus strand). VCF-style: chr17-10529436-C-T. GRCh37 (hg19) VCF-style: chr17-10432753-C-T.
Other names: c.3163G>A, p.Glu1055Lys (NM_001100112.2); short protein forms E1055K.
Identifiers: ClinVar variation 1997950 (VCV001997950.4), dbSNP rs769201728, ClinGen allele CA398138901.